The following is an entry in ClinVar:

ClinVar aggregate classification (germline): Benign/Likely benign. Review status: criteria provided, multiple submitters, no conflicts (2 of 4 stars). 4 submissions from 4 submitters: Benign (1); Likely benign (1). 2 of the submissions do not count toward it. Last evaluated 2026-01-14.

Conditions:
Centromeric instability of chromosomes 1,9 and 16 and immunodeficiency (ICF1). Also called: Immunodeficiency-centromeric instability-facial anomalies; IMMUNE DEFICIENCY, VARIABLE, WITH CENTROMERIC INSTABILITY OF CHROMOSOMES 1, 9, AND 16; IMMUNODEFICIENCY SYNDROME, VARIABLE; CENTROMERIC INSTABILITY, IMMUNODEFICIENCY SYNDROME. Identifiers: Orphanet 2268, MedGen C0398788, MONDO:0000133.

Allele frequency attached by ClinVar (database versions not stated): TOPMed 0.00006; gnomAD 0.00010; ESP Exome Variant Server 0.00015; gnomAD exomes 0.00044 and 0.00093; ExAC 0.00109; 1000 Genomes Project 0.00160; 1000 Genomes Project 30x 0.00172.
gnomAD v4.1: 718 of 1,614,172 alleles (0.044%); highest among the groups gnomAD compares: South Asian, 0.68%; 6 homozygotes.

Submissions (4):

Labcorp Genetics (formerly Invitae), Labcorp
Classification: Benign for Centromeric instability of chromosomes 1,9 and 16 and immunodeficiency. Last evaluated: 2026-01-14. Review status: criteria provided, single submitter. Criteria: Invitae Variant Classification Sherloc (09022015). Collection method: clinical testing. Allele origin: germline.

CeGaT Center for Human Genetics Tuebingen
Classification: Likely benign. Last evaluated: 2025-07-01. Review status: criteria provided, single submitter. Criteria: CeGaT Center For Human Genetics Tuebingen Variant Classification Criteria Version 2. Collection method: clinical testing. Allele origin: germline. Affected: yes. Observed: 4 variant alleles.
Comment: DNMT3B: BP4, BP7

Clinical Genetics DNA and cytogenetics Diagnostics Lab, Erasmus MC, Erasmus Medical Center
Classification: Likely benign. Review status: no assertion criteria provided. Collection method: clinical testing. Allele origin: germline. Affected: yes. Study: VKGL Data-share Consensus. Not counted in ClinVar's aggregate classification.

Genome Diagnostics Laboratory, University Medical Center Utrecht
Classification: Likely benign. Review status: no assertion criteria provided. Collection method: clinical testing. Allele origin: germline. Affected: yes. Study: VKGL Data-share Consensus. Not counted in ClinVar's aggregate classification.

NM_006892.4(DNMT3B):c.2055G>A (p.Lys685=)

Gene: DNMT3B (DNA methyltransferase 3 beta; plus strand). Cytogenetic location: 20q11.21.
Variant type: single nucleotide variant.
Coding change: c.2055G>A on transcript NM_006892.4 (MANE Select); coding-DNA position 2055, G replaced by A.
Protein change: p.Lys685=; no amino-acid change (lysine 685 retained).
Molecular consequence: synonymous variant.
Genome position (GRCh38, 1-based): chr20:32,801,336, G>A. VCF-style: chr20-32801336-G-A. GRCh37 (hg19) VCF-style: chr20-31389142-G-A.
Other names: c.1869G>A, p.Lys623= (NM_001207055.2); c.1767G>A, p.Lys589= (NM_001207056.2); c.1995G>A, p.Lys665= (NM_175848.2, NM_175849.2); c.2031G>A, p.Lys677= (NM_175850.3).
Identifiers: ClinVar variation 747122 (VCV000747122.36), dbSNP rs144497819, ClinGen allele CA9810805.